The following is an entry in ClinVar:

NM_001330360.2(POLA1):c.3890T>C (p.Ile1297Thr)

Gene: POLA1 (DNA polymerase alpha 1, catalytic subunit; plus strand). Cytogenetic location: Xp22.11.
Variant type: single nucleotide variant.
Coding change: c.3890T>C on transcript NM_001330360.2 (MANE Select); coding-DNA position 3890, T replaced by C.
Protein change: p.Ile1297Thr; replaces isoleucine 1297 with threonine.
Molecular consequence: missense variant. On other transcripts: non-coding transcript variant (2).
Genome position (GRCh38, 1-based): chrX:24,841,805, T>C. VCF-style: chrX-24841805-T-C. GRCh37 (hg19) VCF-style: chrX-24859922-T-C.
Other names: c.3815T>C, p.Ile1272Thr (NM_001378303.1); c.3890T>C, p.Ile1297Thr (NM_001440806.1); c.3872T>C, p.Ile1291Thr (NM_016937.4); short protein forms I1272T, I1297T, I1291T.
Identifiers: ClinVar variation 4691596 (VCV004691596.1).
Genomic context (GRCh38, chrX:24,841,805, plus strand): 5'-AGAAATACAGGGACTGTGAAAGATTCAAATGTCCATGCCCTACATGTGGAACTGAGAATA[T>C]TTATGATAATGTCTTTGATGGTTCGGTTAGTTGTTTCTGTCTTTCATTTTGTGAGTGAAC-3'
Protein context (NP_001317289.1, residues 1287-1307): CPCPTCGTEN[Ile1297Thr]YDNVFDGSGT

ClinVar aggregate classification (germline): Uncertain significance (1 of 4 stars; one submission).

gnomAD v4.1: 26 of 1,197,905 alleles (0.0022%); highest among the groups gnomAD compares: Non-Finnish European, 0.0028%; no homozygotes.

Submission:

Labcorp Genetics (formerly Invitae), Labcorp
Classification: Uncertain significance. Last evaluated: 2025-05-19. Review status: criteria provided, single submitter. Criteria: Invitae Variant Classification Sherloc (09022015). Collection method: clinical testing. Allele origin: germline.
Comment: This sequence change replaces isoleucine, which is neutral and non-polar, with threonine, which is neutral and polar, at codon 1291 of the POLA1 protein (p.Ile1291Thr). The frequency data for this variant in the population databases is considered unreliable, as metrics indicate poor data quality at this position in the gnomAD database. This variant has not been reported in the literature in individuals affected with POLA1-related conditions. Invitae Evidence Modeling of protein sequence and biophysical properties (such as structural, functional, and spatial information, amino acid conservation, physicochemical variation, residue mobility, and thermodynamic stability) indicates that this missense variant is not expected to disrupt POLA1 protein function with a negative predictive value of 80%. In summary, the available evidence is currently insufficient to determine the role of this variant in disease. Therefore, it has been classified as a Variant of Uncertain Significance.